The following is an entry in ClinVar:

NM_003560.4(PLA2G6):c.1846A>C (p.Asn616His)

Gene: PLA2G6 (phospholipase A2 group VI; minus strand). Cytogenetic location: 22q13.1.
Variant type: single nucleotide variant.
Coding change: c.1846A>C on transcript NM_003560.4 (MANE Select); coding-DNA position 1846, A replaced by C.
Protein change: p.Asn616His; replaces asparagine 616 with histidine.
Molecular consequence: missense variant.
Genome position (GRCh38, 1-based): chr22:38,116,108, T>G on the plus strand (A>C on the coding strand, the complement: PLA2G6 is on the minus strand). VCF-style: chr22-38116108-T-G. GRCh37 (hg19) VCF-style: chr22-38512115-T-G.
Other names: c.1684A>C, p.Asn562His (NM_001004426.3, NM_001199562.3, NM_001349865.2 and 1 more transcripts); c.1846A>C, p.Asn616His (NM_001349864.2); c.1312A>C, p.Asn438His (NM_001349867.2); c.1168A>C, p.Asn390His (NM_001349868.2); c.1150A>C, p.Asn384His (NM_001349869.2); short protein forms N384H, N390H, N438H, N562H, N616H.
Identifiers: ClinVar variation 2632767 (VCV002632767.2), dbSNP rs762053663, ClinGen allele CA10230703.

ClinVar aggregate classification (germline): Uncertain significance. Review status: criteria provided, multiple submitters, no conflicts (2 of 4 stars). 2 submissions from 2 submitters: Uncertain significance (2). Last evaluated 2025-12-20.

Conditions:
PLA2G6-related disorder. Also called: PLA2G6-related condition.
Infantile neuroaxonal dystrophy (NBIA2A). Also called: NEURODEGENERATION WITH BRAIN IRON ACCUMULATION 2A; SEITELBERGER DISEASE; Infantile neuroaxonal dystrophy 1. Identifiers: Orphanet 35069, MedGen C0270724, MONDO:0024457, OMIM 256600.

Allele frequency attached by ClinVar (database versions not stated): gnomAD 0.00001; ExAC 0.00001; gnomAD exomes 0.00001; TOPMed 0.00001.
gnomAD v4.1: 10 of 1,613,946 alleles (0.00062%); highest among the groups gnomAD compares: Non-Finnish European, 0.00085%; no homozygotes.

Submissions (2):

Labcorp Genetics (formerly Invitae), Labcorp
Classification: Uncertain significance for Infantile neuroaxonal dystrophy. Last evaluated: 2025-12-20. Review status: criteria provided, single submitter. Criteria: Invitae Variant Classification Sherloc (09022015). Collection method: clinical testing. Allele origin: germline.
Comment: This sequence change replaces asparagine, which is neutral and polar, with histidine, which is basic and polar, at codon 616 of the PLA2G6 protein (p.Asn616His). This variant is present in population databases (rs762053663, gnomAD 0.002%). This variant has not been reported in the literature in individuals affected with PLA2G6-related conditions. ClinVar contains an entry for this variant (Variation ID: 2632767). Invitae Evidence Modeling of protein sequence and biophysical properties (such as structural, functional, and spatial information, amino acid conservation, physicochemical variation, residue mobility, and thermodynamic stability) indicates that this missense variant is not expected to disrupt PLA2G6 protein function with a negative predictive value of 80%. In summary, the available evidence is currently insufficient to determine the role of this variant in disease. Therefore, it has been classified as a Variant of Uncertain Significance.

PreventionGenetics, part of Exact Sciences
Classification: Uncertain significance for PLA2G6-related condition. Last evaluated: 2023-04-18. Review status: criteria provided, single submitter. Criteria: ACMG Guidelines, 2015. Collection method: clinical testing. Allele origin: germline.
Comment: The PLA2G6 c.1846A>C variant is predicted to result in the amino acid substitution p.Asn616His. To our knowledge, this variant has not been reported in the literature. This variant is reported in 0.0018% of alleles in individuals of European (Non-Finnish) descent in gnomAD. At this time, the clinical significance of this variant is uncertain due to the absence of conclusive functional and genetic evidence.